The following is an entry in ClinVar:

ClinVar aggregate classification (germline): Uncertain significance (1 of 4 stars; one submission).

Conditions:
Inborn genetic diseases. Identifiers: MedGen C0950123, MeSH D030342.

Submission:

Ambry Genetics
Classification: Uncertain significance for Inborn genetic diseases. Last evaluated: 2024-09-30. Review status: criteria provided, single submitter. Criteria: Ambry Variant Classification Scheme 2023. Collection method: clinical testing. Allele origin: germline.
Comment: The p.T1084N variant (also known as c.3251C>A), located in coding exon 24 of the LRRK2 gene, results from a C to A substitution at nucleotide position 3251. The threonine at codon 1084 is replaced by asparagine, an amino acid with similar properties. This amino acid position is conserved. In addition, this alteration is predicted to be tolerated by in silico analysis. Since supporting evidence is limited at this time, the clinical significance of this alteration remains unclear.

NM_198578.4(LRRK2):c.3251C>A (p.Thr1084Asn)

Gene: LRRK2 (leucine rich repeat kinase 2; plus strand). Cytogenetic location: 12q12.
Variant type: single nucleotide variant.
Coding change: c.3251C>A on transcript NM_198578.4 (MANE Select); coding-DNA position 3251, C replaced by A.
Protein change: p.Thr1084Asn; replaces threonine 1084 with asparagine.
Molecular consequence: missense variant.
Genome position (GRCh38, 1-based): chr12:40,298,397, C>A. VCF-style: chr12-40298397-C-A. GRCh37 (hg19) VCF-style: chr12-40692199-C-A.
Other names: short protein forms T1084N.
Identifiers: ClinVar variation 1729424 (VCV001729424.3), dbSNP rs1395116901, ClinGen allele CA384414807.
Genomic context (GRCh38, chr12:40,298,397, plus strand): 5'-ATGTCTCTCGAAATGACATTGGACCCTCAGTGGTTTTAGATCCTACAGTGAAATGTCCAA[C>A]TCTGAAACAGTTTAACCTGTCATATAACCAGCTGTCTTTTGTACCTGAGAACCTCACTGA-3'
Protein context (NP_940980.4, residues 1074-1094): VVLDPTVKCP[Thr1084Asn]LKQFNLSYNQ